The following is an entry in ClinVar:

NM_015046.7(SETX):c.4216G>A (p.Ala1406Thr)

Gene: SETX (senataxin; minus strand). Cytogenetic location: 9q34.13.
Variant type: single nucleotide variant.
Coding change: c.4216G>A on transcript NM_015046.7 (MANE Select); coding-DNA position 4216, G replaced by A.
Protein change: p.Ala1406Thr; replaces alanine 1406 with threonine.
Molecular consequence: missense variant.
Genome position (GRCh38, 1-based): chr9:132,327,382, C>T on the plus strand (G>A on the coding strand, the complement: SETX is on the minus strand). VCF-style: chr9-132327382-C-T. GRCh37 (hg19) VCF-style: chr9-135202769-C-T.
Other names: c.4216G>A, p.Ala1406Thr (NM_001351527.2, NM_001351528.2); short protein forms A1406T.
Identifiers: ClinVar variation 3777549 (VCV003777549.1).

ClinVar aggregate classification (germline): Uncertain significance (1 of 4 stars; one submission).

gnomAD v4.1: 2 of 1,614,076 alleles (0.00012%); highest among the groups gnomAD compares: African/African-American, 0.0027%; no homozygotes.

Submission:

GeneDx
Classification: Uncertain significance. Last evaluated: 2024-10-10. Review status: criteria provided, single submitter. Criteria: GeneDx Variant Classification Process June 2021. Collection method: clinical testing. Allele origin: germline. Affected: yes.
Comment: Not observed at significant frequency in large population cohorts (gnomAD); In silico analysis indicates that this missense variant does not alter protein structure/function; Has not been previously published as pathogenic or benign to our knowledge